The following is an entry in ClinVar:

NM_016529.6(ATP8A2):c.183C>A (p.Asn61Lys)

Gene: ATP8A2 (ATPase phospholipid transporting 8A2). Cytogenetic location: 13q12.13.
Variant type: single nucleotide variant.
Coding change: c.183C>A on transcript NM_016529.6 (MANE Select); coding-DNA position 183, C replaced by A.
Protein change: p.Asn61Lys; replaces asparagine 61 with lysine.
Molecular consequence: missense variant.
Genome position (GRCh38, 1-based): chr13:25,469,083, C>A. VCF-style: chr13-25469083-C-A. GRCh37 (hg19) VCF-style: chr13-26043221-C-A.
Other names: c.63C>A, p.Asn21Lys (NM_001313741.1); c.183C>A (NM_016529.4); short protein forms N61K, N21K.
Identifiers: ClinVar variation 1486593 (VCV001486593.5), dbSNP rs370672539, ClinGen allele CA6922469.
Genomic context (GRCh38, chr13:25,469,083, plus strand): 5'-GTCCCGGGCCACGTCTGTTGGAGACCAGCTGGAGGCACCCGCCCGCACCATTTACCTCAA[C>A]CAACCGCATCTCAACAAATTCCGCGACAACCAGATCAGGTAGGAGAAGGCGGCCGGCTCG-3'
Protein context (NP_057613.4, residues 51-71): LEAPARTIYL[Asn61Lys]QPHLNKFRDN

ClinVar aggregate classification (germline): Uncertain significance. Review status: criteria provided, multiple submitters, no conflicts (2 of 4 stars). 2 submissions from 2 submitters: Uncertain significance (2). Last evaluated 2025-08-05.

Conditions:
Inborn genetic diseases. Identifiers: MedGen C0950123, MeSH D030342.

Allele frequency attached by ClinVar (database versions not stated): gnomAD 0.00002; TOPMed 0.00002; ESP Exome Variant Server 0.00008.

Submissions (2):

Ambry Genetics
Classification: Uncertain significance for Inborn genetic diseases. Last evaluated: 2025-08-05. Review status: criteria provided, single submitter. Criteria: Ambry Variant Classification Scheme 2023. Collection method: clinical testing. Allele origin: germline.

Labcorp Genetics (formerly Invitae), Labcorp
Classification: Uncertain significance. Last evaluated: 2021-11-10. Review status: criteria provided, single submitter. Criteria: Invitae Variant Classification Sherloc (09022015). Collection method: clinical testing. Allele origin: germline.
Comment: This sequence change replaces asparagine, which is neutral and polar, with lysine, which is basic and polar, at codon 61 of the ATP8A2 protein (p.Asn61Lys). This variant is present in population databases (rs370672539, gnomAD 0.003%). This variant has not been reported in the literature in individuals affected with ATP8A2-related conditions. Algorithms developed to predict the effect of missense changes on protein structure and function are either unavailable or do not agree on the potential impact of this missense change (SIFT: "Tolerated"; PolyPhen-2: "Possibly Damaging"; Align-GVGD: "Class C0"). In summary, the available evidence is currently insufficient to determine the role of this variant in disease. Therefore, it has been classified as a Variant of Uncertain Significance.